The following is an entry in ClinVar:

ClinVar aggregate classification (germline): Uncertain significance (1 of 4 stars; one submission).

Conditions:
Inborn genetic diseases. Identifiers: MedGen C0950123, MeSH D030342.

Allele frequency attached by ClinVar (database versions not stated): ExAC 0.00001; gnomAD 0.00001; 1000 Genomes Project 30x 0.00016; 1000 Genomes Project 0.00020.
gnomAD v4.1: 1 of 1,614,124 alleles (0.000062%); highest among the groups gnomAD compares: African/African-American, 0.0013%; no homozygotes.

Submission:

Ambry Genetics
Classification: Uncertain significance for Inborn genetic diseases. Last evaluated: 2022-04-09. Review status: criteria provided, single submitter. Criteria: Ambry Variant Classification Scheme 2023. Collection method: clinical testing. Allele origin: germline.
Comment: The p.Y125H variant (also known as c.373T>C), located in coding exon 2 of the MIB1 gene, results from a T to C substitution at nucleotide position 373. The tyrosine at codon 125 is replaced by histidine, an amino acid with similar properties. This amino acid position is conserved. In addition, the in silico prediction for this alteration is inconclusive. Since supporting evidence is limited at this time, the clinical significance of this alteration remains unclear.

NM_020774.4(MIB1):c.373T>C (p.Tyr125His)

Gene: MIB1 (MIB E3 ubiquitin protein ligase 1; plus strand). Cytogenetic location: 18q11.2.
Variant type: single nucleotide variant.
Coding change: c.373T>C on transcript NM_020774.4 (MANE Select); coding-DNA position 373, T replaced by C.
Protein change: p.Tyr125His; replaces tyrosine 125 with histidine.
Molecular consequence: missense variant.
Genome position (GRCh38, 1-based): chr18:21,765,915, T>C. VCF-style: chr18-21765915-T-C. GRCh37 (hg19) VCF-style: chr18-19345876-T-C.
Other names: short protein forms Y125H.
Identifiers: ClinVar variation 1734472 (VCV001734472.2), dbSNP rs561166598, ClinGen allele CA8907987.
Genomic context (GRCh38, chr18:21,765,915, plus strand): 5'-AATTATGATTTGTGCACAGTGTGTTATCATGGAGATAAACATCATTTAAGACATCGCTTT[T>C]ACCGAATTACTACACCGGGAAGTGAGAGGTAGGGAGAACCCTTTTCTTCTTCAACCGAGG-3'
Protein context (NP_065825.1, residues 115-135): GDKHHLRHRF[Tyr125His]RITTPGSERV